The following is an entry in ClinVar:

ClinVar aggregate classification (germline): Uncertain significance (1 of 4 stars; one submission).

Conditions:
Orofaciodigital syndrome I (OFD1). Also called: Oral-Facial-Digital Syndrome Type I; Papillon-Leage and Psaume Syndrome; OFDS I. Identifiers: Orphanet 2750, MedGen C1510460, MONDO:0010702, OMIM 311200.

Submission:

Clinical Genomics Laboratory, Washington University in St. Louis
Classification: Uncertain significance for Orofaciodigital syndrome I. Last evaluated: 2024-11-25. Review status: criteria provided, single submitter. Criteria: ACMG Guidelines, 2015. Collection method: clinical testing. Allele origin: germline.
Comment: The OFD1 c.1610C>G (p.Thr537Ser) variant, to our knowledge, has not been reported in the medical literature and is absent from the general population (gnomAD v.2.1.1), indicating it is not a common variant. Computational predictors suggest that the variant does not impact OFD1 function, but AlphaFold predicts this variant occurs in an alpha helix in the coiled-coil domain that is essential for protein-protein interactions. Due to limited information, and based on ACMG/AMP guidelines for variant interpretation (Richards S et al., PMID: 25741868), the clinical significance of this variant is uncertain at this time.

NM_003611.3(OFD1):c.1610C>G (p.Thr537Ser)

Gene: OFD1 (OFD1 centriole and centriolar satellite protein; plus strand). Cytogenetic location: Xp22.2.
Variant type: single nucleotide variant.
Coding change: c.1610C>G on transcript NM_003611.3 (MANE Select); coding-DNA position 1610, C replaced by G.
Protein change: p.Thr537Ser; replaces threonine 537 with serine.
Molecular consequence: missense variant.
Genome position (GRCh38, 1-based): chrX:13,758,404, C>G. VCF-style: chrX-13758404-C-G. GRCh37 (hg19) VCF-style: chrX-13776523-C-G.
Other names: c.1490C>G, p.Thr497Ser (NM_001330209.2); c.1190C>G, p.Thr397Ser (NM_001330210.2); short protein forms T397S, T497S, T537S.
Identifiers: ClinVar variation 3600389 (VCV003600389.1).